The following is an entry in ClinVar:

NM_001384140.1(PCDH15):c.298G>A (p.Gly100Arg)

Gene: PCDH15 (protocadherin related 15; minus strand). Cytogenetic location: 10q21.1.
Variant type: single nucleotide variant.
Coding change: c.298G>A on transcript NM_001384140.1 (MANE Select); coding-DNA position 298, G replaced by A.
Protein change: p.Gly100Arg; replaces glycine 100 with arginine.
Molecular consequence: missense variant.
Genome position (GRCh38, 1-based): chr10:54,378,802, C>T on the plus strand (G>A on the coding strand, the complement: PCDH15 is on the minus strand). VCF-style: chr10-54378802-C-T. GRCh37 (hg19) VCF-style: chr10-56138562-C-T.
Other names: c.313G>A, p.Gly105Arg (NM_001142763.2, NM_001142769.4, NM_001142771.2); c.298G>A, p.Gly100Arg (NM_001142764.2, NM_001142765.2, NM_001142766.2 and 8 more transcripts); c.232G>A, p.Gly78Arg (NM_001142768.2, NM_001142773.2, NM_001354404.2); short protein forms G78R, G100R, G105R.
Identifiers: ClinVar variation 864099 (VCV000864099.10), dbSNP rs140716525, ClinGen allele CA5506746.

ClinVar aggregate classification (germline): Conflicting classifications of pathogenicity. Review status: criteria provided, conflicting classifications (1 of 4 stars). 5 submissions from 5 submitters: Uncertain significance (3); Likely benign (1). 1 of the submissions does not count toward it. Last evaluated 2025-12-17.

Conditions:
Usher syndrome type 1F (USH1F). Also called: USHER SYNDROME, TYPE IF. Identifiers: Orphanet 231169, Orphanet 886, MedGen C1865885, MONDO:0011186, OMIM 602083.

Allele frequency attached by ClinVar (database versions not stated): gnomAD exomes 0.00008 and 0.00011; ExAC 0.00013; 1000 Genomes Project 30x 0.00016; 1000 Genomes Project 0.00020; gnomAD 0.00023 and 0.00024; TOPMed 0.00029; ESP Exome Variant Server 0.00062.
gnomAD v4.1: 154 of 1,613,720 alleles (0.0095%); highest among the groups gnomAD compares: East Asian, 0.074%; no homozygotes.

Submissions (5):

Labcorp Genetics (formerly Invitae), Labcorp
Classification: Likely benign. Last evaluated: 2025-12-17. Review status: criteria provided, single submitter. Criteria: Invitae Variant Classification Sherloc (09022015). Collection method: clinical testing. Allele origin: germline.

GeneDx
Classification: Uncertain significance. Last evaluated: 2025-07-29. Review status: criteria provided, single submitter. Criteria: GeneDx Variant Classification Process June 2021. Collection method: clinical testing. Allele origin: germline. Affected: yes.
Comment: Reported in a patient with late-onset hearing loss in published literature (PMID: 23967202); In silico analysis supports that this missense variant has a deleterious effect on protein structure/function; This variant is associated with the following publications: (PMID: 34426522, 23967202)

Women's Health and Genetics/Laboratory Corporation of America, LabCorp
Classification: Uncertain significance. Last evaluated: 2023-12-15. Review status: criteria provided, single submitter. Criteria: LabCorp Variant Classification Summary - May 2015. Collection method: clinical testing. Allele origin: germline.
Comment: Variant summary: PCDH15 c.298G>A (p.Gly100Arg) results in a non-conservative amino acid change located in the Cadherin-like of the encoded protein sequence. Four of five in-silico tools predict a damaging effect of the variant on protein function. The variant allele was found at a frequency of 0.00011 in 251226 control chromosomes. This frequency is not significantly higher than estimated for a pathogenic variant in PCDH15 causing Usher Syndrome Type 1F (0.00011 vs 0.0032), allowing no conclusion about variant significance. c.298G>A has been reported in the literature in individuals affected with deafness (Miyagawa_2013). This report does not provide unequivocal conclusions about association of the variant with Usher Syndrome Type 1F. To our knowledge, no experimental evidence demonstrating an impact on protein function has been reported. Two submitters have cited clinical-significance assessments for this variant to ClinVar after 2014. All submitters classified the variant as uncertain significance. Based on the evidence outlined above, the variant was classified as uncertain significance.

Blueprint Genetics
Classification: Uncertain significance. Last evaluated: 2022-02-15. Review status: criteria provided, single submitter. Criteria: ACMG Guidelines, 2015. Collection method: clinical testing. Allele origin: germline.

Natera, Inc.
Classification: Uncertain significance for Usher syndrome type 1F. Last evaluated: 2020-04-15. Review status: no assertion criteria provided. Collection method: clinical testing. Allele origin: germline. Not counted in ClinVar's aggregate classification.

Literature cited by the submitters: PubMed 23967202 (cited by Women's Health and Genetics/Laboratory Corporation of America, LabCorp).